The following is an entry in ClinVar:

ClinVar aggregate classification (germline): Pathogenic. Review status: criteria provided, multiple submitters, no conflicts (2 of 4 stars). 2 submissions from 2 submitters: Pathogenic (2). Last evaluated 2023-05-11.

Conditions:
Hereditary cancer-predisposing syndrome. Also called: Hereditary Cancer Syndrome; Neoplastic Syndromes, Hereditary; Hereditary neoplastic syndrome; Tumor predisposition. Identifiers: Orphanet 140162, MedGen C0027672, MeSH D009386, MONDO:0015356.
Familial adenomatous polyposis 1 (FAP1). Also called: FAMILIAL ADENOMATOUS POLYPOSIS 1, ATTENUATED; POLYPOSIS, ADENOMATOUS INTESTINAL. Identifiers: MedGen C2713442, MONDO:0021056, OMIM 175100. Disease mechanism: loss of function.

Submissions (2):

Myriad Genetics, Inc.
Classification: Pathogenic for Familial adenomatous polyposis 1. Last evaluated: 2023-05-11. Review status: criteria provided, single submitter. Criteria: Myriad Autosomal Dominant, Autosomal Recessive and X-Linked Classification Criteria (2023). Collection method: clinical testing. Allele origin: unknown.
Comment: This variant is considered pathogenic. This variant creates a frameshift predicted to result in premature protein truncation.

Ambry Genetics
Classification: Pathogenic for Hereditary cancer-predisposing syndrome. Last evaluated: 2016-06-13. Review status: criteria provided, single submitter. Criteria: Ambry Variant Classification Scheme 2023. Collection method: clinical testing. Allele origin: germline.
Comment: The c.4643_4645delACCinsT pathogenic mutation, located in coding exon 15 of the APC gene, results from the deletion of three nucleotides and insertion of one nucleotide, causing a translational frameshift with a predicted alternate stop codon (p.N1548Ifs*10). This alteration occurs in the last coding exon of the APC gene, so while it is truncating, the mRNA may escape nonsense mediated decay (NMD) (Maquat LE et al. Nat. Rev. Mol. Cell Biol. 2004 Feb; 5(2):89-99). Since frameshifts are typically deleterious in nature, this alteration is interpreted as a disease-causing mutation (ACMG Recommendations for Standards for Interpretation and Reporting of Sequence Variations. Revision 2007. Genet Med. 2008;10:294).

Literature cited by the submitters: PubMed 17135276 (cited by Ambry Genetics); PubMed 19029688 (cited by Ambry Genetics); PubMed 19444466 (cited by Ambry Genetics).

NM_000038.6(APC):c.4643_4645delinsT (p.Asn1548fs)

Gene: APC (APC regulator of Wnt signaling pathway; plus strand). Cytogenetic location: 5q22.2.
Variant type: Indel.
Coding change: c.4643_4645delinsT on transcript NM_000038.6 (MANE Select); coding-DNA positions 4643 to 4645, ACC replaced by T.
Protein change: p.Asn1548fs; shifts the reading frame from asparagine 1548.
Molecular consequence: frameshift variant.
Genome position (GRCh38, 1-based): chr5:112,840,237-112,840,239, ACC replaced by T. VCF-style: chr5-112840237-ACC-T. GRCh37 (hg19) VCF-style: chr5-112175934-ACC-T.
Other names: c.4643_4645delinsT, p.Asn1548fs (NM_001127510.3, NM_001354895.2); c.4589_4591delinsT, p.Asn1530fs (NM_001127511.3); c.4697_4699delinsT, p.Asn1566fs (NM_001354896.2); c.4673_4675delinsT, p.Asn1558fs (NM_001354897.2); c.4568_4570delinsT, p.Asn1523fs (NM_001354898.2); c.4559_4561delinsT, p.Asn1520fs (NM_001354899.2); c.4520_4522delinsT, p.Asn1507fs (NM_001354900.2); c.4466_4468delinsT, p.Asn1489fs (NM_001354901.2); and 5 more; short protein forms N1457fs, N1489fs, N1388fs, N1520fs, N1523fs, N1548fs, N1558fs, N1447fs.
Identifiers: ClinVar variation 428163 (VCV000428163.7), dbSNP rs1114167601, ClinGen allele CA645369380.
Genomic context (GRCh38, chr5:112,840,237, plus strand): 5'-TTCAGGAAAATGACAATGGGAATGAAACAGAATCAGAGCAGCCTAAAGAATCAAATGAAA[ACC>T]AAGAGAAAGAGGCAGAAAAAACTATTGATTCTGAAAAGGACCTATTAGATGATTCAGATG-3'